The following is an entry in ClinVar:

ClinVar aggregate classification (germline): Uncertain significance. Review status: criteria provided, multiple submitters, no conflicts (2 of 4 stars). 2 submissions from 2 submitters: Uncertain significance (2). Last evaluated 2022-02-11.

Conditions:
Focal segmental glomerulosclerosis 1 (FSGS1). Identifiers: Orphanet 656, MedGen C4551527, MONDO:0011303, OMIM 603278.

Allele frequency attached by ClinVar (database versions not stated): gnomAD exomes 0.00001; ExAC 0.00002; gnomAD 0.00003.
gnomAD v4.1: 24 of 1,612,284 alleles (0.0015%); highest among the groups gnomAD compares: East Asian, 0.0067%; no homozygotes.

Submissions (2):

Fulgent Genetics
Classification: Uncertain significance for Focal segmental glomerulosclerosis 1. Last evaluated: 2022-02-11. Review status: criteria provided, single submitter. Criteria: ACMG Guidelines, 2015. Collection method: clinical testing. Allele origin: unknown.

Labcorp Genetics (formerly Invitae), Labcorp
Classification: Uncertain significance. Last evaluated: 2021-03-21. Review status: criteria provided, single submitter. Criteria: Invitae Variant Classification Sherloc (09022015). Collection method: clinical testing. Allele origin: germline.
Comment: In summary, the available evidence is currently insufficient to determine the role of this variant in disease. Therefore, it has been classified as a Variant of Uncertain Significance. Algorithms developed to predict the effect of missense changes on protein structure and function are either unavailable or do not agree on the potential impact of this missense change (SIFT: "Not Available"; PolyPhen-2: "Benign"; Align-GVGD: "Not Available"). This variant has not been reported in the literature in individuals with ACTN4-related conditions. This variant is present in population databases (rs750429771, ExAC 0.01%). This sequence change replaces aspartic acid with asparagine at codon 804 of the ACTN4 protein (p.Asp804Asn). The aspartic acid residue is highly conserved and there is a small physicochemical difference between aspartic acid and asparagine.

NM_004924.6(ACTN4):c.2410G>A (p.Asp804Asn)

Gene: ACTN4 (actinin alpha 4; plus strand). Cytogenetic location: 19q13.2.
Variant type: single nucleotide variant.
Coding change: c.2410G>A on transcript NM_004924.6 (MANE Select); coding-DNA position 2410, G replaced by A.
Protein change: p.Asp804Asn; replaces aspartic acid 804 with asparagine.
Molecular consequence: missense variant. On other transcripts: intron variant (1).
Genome position (GRCh38, 1-based): chr19:38,728,018, G>A. VCF-style: chr19-38728018-G-A. GRCh37 (hg19) VCF-style: chr19-39218658-G-A.
Other names: c.2338-298G>A (NM_001322033.2); short protein forms D804N.
Identifiers: ClinVar variation 1367695 (VCV001367695.7), dbSNP rs750429771, ClinGen allele CA9417991.